The following is an entry in ClinVar:

ClinVar aggregate classification (germline): Uncertain significance (1 of 4 stars; one submission).

Submission:

Labcorp Genetics (formerly Invitae), Labcorp
Classification: Uncertain significance. Last evaluated: 2022-11-22. Review status: criteria provided, single submitter. Criteria: Invitae Variant Classification Sherloc (09022015). Collection method: clinical testing. Allele origin: germline.
Comment: This sequence change replaces proline, which is neutral and non-polar, with serine, which is neutral and polar, at codon 404 of the HK1 protein (p.Pro404Ser). This variant is not present in population databases (gnomAD no frequency). In summary, the available evidence is currently insufficient to determine the role of this variant in disease. Therefore, it has been classified as a Variant of Uncertain Significance. Advanced modeling of protein sequence and biophysical properties (such as structural, functional, and spatial information, amino acid conservation, physicochemical variation, residue mobility, and thermodynamic stability) performed at Invitae indicates that this missense variant is not expected to disrupt HK1 protein function. ClinVar contains an entry for this variant (Variation ID: 1046800). This variant has not been reported in the literature in individuals affected with HK1-related conditions.

NM_000188.3(HK1):c.1210C>T (p.Pro404Ser)

Gene: HK1 (hexokinase 1; plus strand). Cytogenetic location: 10q22.1.
Variant type: single nucleotide variant.
Coding change: c.1210C>T on transcript NM_000188.3 (MANE Select); coding-DNA position 1210, C replaced by T.
Protein change: p.Pro404Ser; replaces proline 404 with serine.
Molecular consequence: missense variant.
Genome position (GRCh38, 1-based): chr10:69,380,040, C>T. VCF-style: chr10-69380040-C-T. GRCh37 (hg19) VCF-style: chr10-71139796-C-T.
Other names: c.1222C>T, p.Pro408Ser (NM_001322364.2, NM_001358263.1, NM_033497.3 and 1 more transcripts); c.1315C>T, p.Pro439Ser (NM_001322365.2); c.1126C>T, p.Pro376Ser (NM_001322366.1); c.1114C>T, p.Pro372Ser (NM_001322367.1); c.1207C>T, p.Pro403Ser (NM_033496.3); c.1174C>T, p.Pro392Ser (NM_033500.2); short protein forms P372S, P376S, P408S, P403S, P439S, P392S, P404S.
Identifiers: ClinVar variation 1046800 (VCV001046800.8), dbSNP rs1839310169, ClinGen allele CA376917572.